The following is an entry in ClinVar:

NM_198576.4(AGRN):c.1294G>A (p.Asp432Asn)

Gene: AGRN (agrin; plus strand). Cytogenetic location: 1p36.33.
Variant type: single nucleotide variant.
Coding change: c.1294G>A on transcript NM_198576.4 (MANE Select); coding-DNA position 1294, G replaced by A.
Protein change: p.Asp432Asn; replaces aspartic acid 432 with asparagine.
Molecular consequence: missense variant.
Genome position (GRCh38, 1-based): chr1:1,042,072, G>A. VCF-style: chr1-1042072-G-A. GRCh37 (hg19) VCF-style: chr1-977452-G-A.
Other names: c.1294G>A, p.Asp432Asn (NM_001305275.2); c.979G>A, p.Asp327Asn (NM_001364727.2); short protein forms D327N, D432N.
Identifiers: ClinVar variation 2915907 (VCV002915907.3), dbSNP rs1325505769, ClinGen allele CA337828092.

ClinVar aggregate classification (germline): Uncertain significance (1 of 4 stars; one submission).

Conditions:
Congenital myasthenic syndrome 8. Also called: Myasthenic syndrome, congenital, 8, with pre- and postsynaptic defects; MYASTHENIC SYNDROME, CONGENITAL, DUE TO AGRIN DEFICIENCY. Identifiers: Orphanet 590, MedGen C3808739, MONDO:0014052, OMIM 615120.

Allele frequency attached by ClinVar (database versions not stated): gnomAD 0.00002.
gnomAD v4.1: 3 of 1,606,656 alleles (0.00019%); highest among the groups gnomAD compares: African/African-American, 0.004%; no homozygotes.

Submission:

Labcorp Genetics (formerly Invitae), Labcorp
Classification: Uncertain significance for Congenital myasthenic syndrome 8. Last evaluated: 2022-12-09. Review status: criteria provided, single submitter. Criteria: Invitae Variant Classification Sherloc (09022015). Collection method: clinical testing. Allele origin: germline.
Comment: This variant is present in population databases (no rsID available, gnomAD 0.03%). This variant has not been reported in the literature in individuals affected with AGRN-related conditions. Algorithms developed to predict the effect of missense changes on protein structure and function output the following: SIFT: "Deleterious"; PolyPhen-2: "Possibly Damaging"; Align-GVGD: "Class C0". The asparagine amino acid residue is found in multiple mammalian species, which suggests that this missense change does not adversely affect protein function. In summary, the available evidence is currently insufficient to determine the role of this variant in disease. Therefore, it has been classified as a Variant of Uncertain Significance. This sequence change replaces aspartic acid, which is acidic and polar, with asparagine, which is neutral and polar, at codon 432 of the AGRN protein (p.Asp432Asn).